The following is an entry in ClinVar:

ClinVar aggregate classification (germline): Uncertain significance. Review status: criteria provided, multiple submitters, no conflicts (2 of 4 stars). 2 submissions from 2 submitters: Uncertain significance (2). Last evaluated 2025-11-24.

Conditions:
DICER1-related tumor predisposition. Also called: DICER1-related pleuropulmonary blastoma cancer predisposition syndrome; DICER1 syndrome. Identifiers: Orphanet 284343, MedGen C3839822, MONDO:0100216.
Hereditary cancer-predisposing syndrome. Also called: Hereditary neoplastic syndrome; Neoplastic Syndromes, Hereditary; Tumor predisposition; Hereditary Cancer Syndrome. Identifiers: Orphanet 140162, MedGen C0027672, MeSH D009386, MONDO:0015356.

Submissions (2):

Ambry Genetics
Classification: Uncertain significance for Hereditary cancer-predisposing syndrome. Last evaluated: 2025-11-24. Review status: criteria provided, single submitter. Criteria: Ambry Variant Classification Scheme 2023. Collection method: clinical testing. Allele origin: germline.
Comment: The p.C1153G variant (also known as c.3457T>G), located in coding exon 20 of the DICER1 gene, results from a T to G substitution at nucleotide position 3457. The cysteine at codon 1153 is replaced by glycine, an amino acid with highly dissimilar properties. This amino acid position is conserved. In addition, the in silico prediction for this alteration is inconclusive. Based on the available evidence, the clinical significance of this variant remains unclear.

Labcorp Genetics (formerly Invitae), Labcorp
Classification: Uncertain significance for DICER1-related tumor predisposition. Last evaluated: 2024-06-03. Review status: criteria provided, single submitter. Criteria: Invitae Variant Classification Sherloc (09022015). Collection method: clinical testing. Allele origin: germline.
Comment: This sequence change replaces cysteine, which is neutral and slightly polar, with glycine, which is neutral and non-polar, at codon 1153 of the DICER1 protein (p.Cys1153Gly). This variant is not present in population databases (gnomAD no frequency). This variant has not been reported in the literature in individuals affected with DICER1-related conditions. ClinVar contains an entry for this variant (Variation ID: 412080). Advanced modeling of protein sequence and biophysical properties (such as structural, functional, and spatial information, amino acid conservation, physicochemical variation, residue mobility, and thermodynamic stability) performed at Invitae indicates that this missense variant is not expected to disrupt DICER1 protein function with a negative predictive value of 80%. In summary, the available evidence is currently insufficient to determine the role of this variant in disease. Therefore, it has been classified as a Variant of Uncertain Significance.

NM_177438.3(DICER1):c.3457T>G (p.Cys1153Gly)

Gene: DICER1 (dicer 1, ribonuclease III; minus strand). Cytogenetic location: 14q32.13.
Variant type: single nucleotide variant.
Coding change: c.3457T>G on transcript NM_177438.3 (MANE Select); coding-DNA position 3457, T replaced by G.
Protein change: p.Cys1153Gly; replaces cysteine 1153 with glycine.
Molecular consequence: missense variant.
Genome position (GRCh38, 1-based): chr14:95,103,939, A>C on the plus strand (T>G on the coding strand, the complement: DICER1 is on the minus strand). VCF-style: chr14-95103939-A-C. GRCh37 (hg19) VCF-style: chr14-95570276-A-C.
Other names: c.3457T>G, p.Cys1153Gly (NM_001195573.1, NM_001271282.3, NM_001291628.2 and 1 more transcripts); short protein forms C1153G.
Identifiers: ClinVar variation 412080 (VCV000412080.11), dbSNP rs1060503607, ClinGen allele CA16614331.